The following is an entry in ClinVar:

NM_016169.4(SUFU):c.890C>T (p.Pro297Leu)

Gene: SUFU (SUFU negative regulator of hedgehog signaling; plus strand). Cytogenetic location: 10q24.32.
Variant type: single nucleotide variant.
Coding change: c.890C>T on transcript NM_016169.4 (MANE Select); coding-DNA position 890, C replaced by T.
Protein change: p.Pro297Leu; replaces proline 297 with leucine.
Molecular consequence: missense variant.
Genome position (GRCh38, 1-based): chr10:102,597,273, C>T. VCF-style: chr10-102597273-C-T. GRCh37 (hg19) VCF-style: chr10-104357030-C-T.
Other names: c.890C>T, p.Pro297Leu (NM_001178133.2); short protein forms P297L.
Identifiers: ClinVar variation 822811 (VCV000822811.15), dbSNP rs1590066137, ClinGen allele CA377910845.

ClinVar aggregate classification (germline): Uncertain significance. Review status: criteria provided, multiple submitters, no conflicts (2 of 4 stars). 2 submissions from 2 submitters: Uncertain significance (2). Last evaluated 2025-02-26.

Conditions:
Gorlin syndrome. Also called: Nevoid Basal Cell Carcinoma Syndrome; Basal cell nevus syndrome. Identifiers: Orphanet 377, MedGen C0004779, MONDO:0007187.
Medulloblastoma (MDB). Also called: Medulloblastoma, somatic; MEDULLOBLASTOMA PREDISPOSITION SYNDROME. Identifiers: Orphanet 616, MedGen C0025149, MeSH D008527, MONDO:0007959, OMIM 155255, HP:0002885.
Hereditary cancer-predisposing syndrome. Also called: Hereditary Cancer Syndrome; Neoplastic Syndromes, Hereditary; Hereditary neoplastic syndrome; Tumor predisposition. Identifiers: Orphanet 140162, MedGen C0027672, MeSH D009386, MONDO:0015356.

Submissions (2):

Labcorp Genetics (formerly Invitae), Labcorp
Classification: Uncertain significance for Gorlin syndrome; Medulloblastoma. Last evaluated: 2025-02-26. Review status: criteria provided, single submitter. Criteria: Invitae Variant Classification Sherloc (09022015). Collection method: clinical testing. Allele origin: germline.
Comment: This sequence change replaces proline, which is neutral and non-polar, with leucine, which is neutral and non-polar, at codon 297 of the SUFU protein (p.Pro297Leu). This variant is not present in population databases (gnomAD no frequency). This variant has not been reported in the literature in individuals affected with SUFU-related conditions. ClinVar contains an entry for this variant (Variation ID: 822811). Invitae Evidence Modeling of protein sequence and biophysical properties (such as structural, functional, and spatial information, amino acid conservation, physicochemical variation, residue mobility, and thermodynamic stability) indicates that this missense variant is not expected to disrupt SUFU protein function with a negative predictive value of 80%. In summary, the available evidence is currently insufficient to determine the role of this variant in disease. Therefore, it has been classified as a Variant of Uncertain Significance.

Ambry Genetics
Classification: Uncertain significance for Hereditary cancer-predisposing syndrome. Last evaluated: 2024-11-19. Review status: criteria provided, single submitter. Criteria: Ambry Variant Classification Scheme 2023. Collection method: clinical testing. Allele origin: germline.
Comment: The p.P297L variant (also known as c.890C>T), located in coding exon 7 of the SUFU gene, results from a C to T substitution at nucleotide position 890. The proline at codon 297 is replaced by leucine, an amino acid with similar properties. This amino acid position is highly conserved in available vertebrate species. In addition, the in silico prediction for this alteration is inconclusive. Since supporting evidence is limited at this time, the clinical significance of this alteration remains unclear.